The following is an entry in ClinVar:

NM_000179.3(MSH6):c.4002-11_4002-10dup

Gene: MSH6 (mutS homolog 6; plus strand). Cytogenetic location: 2p16.3.
Variant type: Duplication.
Coding change: c.4002-11_4002-10dup on transcript NM_000179.3 (MANE Select); 11 bases into the intron before coding-DNA position 4002 through 10 bases into the intron before coding-DNA position 4002, 2 bases duplicated (TT; older notation c.4002-11_4002-10dupTT).
Molecular consequence: intron variant.
Genome position (GRCh38, 1-based): chr2:47,806,768-47,806,769, TT duplicated; duplicating any 2 consecutive bases within chr2:47,806,752-47,806,769 gives the same sequence; the c. name uses the placement nearest the transcript's 3' end. VCF-style (leftmost placement, unchanged base first): chr2-47806751-C-CTT. GRCh37 (hg19) VCF-style: chr2-48033890-C-CTT.
Other names: c.3096-11_3096-10dup (NM_001281493.2, NM_001281494.2); c.3612-11_3612-10dup (NM_001281492.2); c.4002-11_4002-10dupTT (NM_000179.3).
Identifiers: ClinVar variation 89510 (VCV000089510.11), dbSNP rs59056100, ClinGen allele CA330589.
Genomic context (GRCh38, chr2:47,806,751, plus strand): 5'-TTAAGTTTCAAAGAAACAGTAAAAGGGGAAGGGATGATGCACTATGAAAAAACAAAAAAA[C>CTT]TTTTTTTTTTTTTTTTTTAATTTTAAGGGAAGTTTGCCTGGCTAGTGAAAGGTCAACTGT-3'

ClinVar aggregate classification (germline): Benign. Review status: reviewed by expert panel (3 of 4 stars). 3 submissions from 3 submitters: Benign (1). 2 of the submissions do not count toward it. Last evaluated 2013-09-05.

Conditions:
Lynch syndrome. Identifiers: Orphanet 144, MedGen C4552100, MONDO:0005835. Disease mechanism: loss of function.

Submissions (3):

International Society for Gastrointestinal Hereditary Tumours (InSiGHT)
Classification: Benign for Lynch Syndrome. Last evaluated: 2013-09-05. Review status: reviewed by expert panel. Criteria: Guidelines v1.9. Collection method: research. Allele origin: germline.
Comment: MAF >1%

Classified with v1.9 guidelines
ClinVar note: Converted during submission from no known pathogenicity to Benign.

Center for Genomic Medicine, Rigshospitalet, Copenhagen University Hospital
Classification: Benign. Last evaluated: 2025-03-04. Review status: criteria provided, single submitter. Criteria: ACMG Guidelines, 2015. Collection method: clinical testing. Allele origin: germline. Not counted in ClinVar's aggregate classification.

Quest Diagnostics Nichols Institute San Juan Capistrano
Classification: Benign. Last evaluated: 2023-07-27. Review status: criteria provided, single submitter. Criteria: Quest Diagnostics criteria. Collection method: clinical testing. Allele origin: unknown. Not counted in ClinVar's aggregate classification.

Literature cited by the submitters: PubMed 11153917 (cited by Quest Diagnostics Nichols Institute San Juan Capistrano).